The following is an entry in ClinVar:

NM_032634.4(PIGO):c.1309G>A (p.Ala437Thr)

Gene: PIGO (phosphatidylinositol glycan anchor biosynthesis class O; minus strand). Cytogenetic location: 9p13.3.
Variant type: single nucleotide variant.
Coding change: c.1309G>A on transcript NM_032634.4 (MANE Select); coding-DNA position 1309, G replaced by A.
Protein change: p.Ala437Thr; replaces alanine 437 with threonine.
Molecular consequence: missense variant.
Genome position (GRCh38, 1-based): chr9:35,092,578, C>T on the plus strand (G>A on the coding strand, the complement: PIGO is on the minus strand). VCF-style: chr9-35092578-C-T. GRCh37 (hg19) VCF-style: chr9-35092575-C-T.
Other names: c.1309G>A (NM_032634.3); c.1309G>A, p.Ala437Thr (NM_001201484.2, NM_152850.4); short protein forms A437T.
Identifiers: ClinVar variation 1491180 (VCV001491180.5), dbSNP rs371896003, ClinGen allele CA5040663.

ClinVar aggregate classification (germline): Uncertain significance. Review status: criteria provided, multiple submitters, no conflicts (2 of 4 stars). 2 submissions from 2 submitters: Uncertain significance (2). Last evaluated 2025-02-26.

Conditions:
Inborn genetic diseases. Identifiers: MedGen C0950123, MeSH D030342.
Hyperphosphatasia with impaired intellectual development syndrome 2. Also called: Hyperphosphatasia with intellectual disability syndrome 2; GLYCOSYLPHOSPHATIDYLINOSITOL BIOSYNTHESIS DEFECT 6. Identifiers: Orphanet 247262, MedGen C3553637, MONDO:0013882, OMIM 614749.

Allele frequency attached by ClinVar (database versions not stated): ESP Exome Variant Server 0.00008; ExAC 0.00006; gnomAD 0.00013; 1000 Genomes Project 30x 0.00031; gnomAD exomes 0.00004; TOPMed 0.00012; 1000 Genomes Project 0.00020.

Submissions (2):

Ambry Genetics
Classification: Uncertain significance for Inborn genetic diseases. Last evaluated: 2025-02-26. Review status: criteria provided, single submitter. Criteria: Ambry Variant Classification Scheme 2023. Collection method: clinical testing. Allele origin: germline.

Labcorp Genetics (formerly Invitae), Labcorp
Classification: Uncertain significance for Hyperphosphatasia with impaired intellectual development syndrome 2. Last evaluated: 2022-10-17. Review status: criteria provided, single submitter. Criteria: Invitae Variant Classification Sherloc (09022015). Collection method: clinical testing. Allele origin: germline.
Comment: This sequence change replaces alanine, which is neutral and non-polar, with threonine, which is neutral and polar, at codon 437 of the PIGO protein (p.Ala437Thr). This variant is present in population databases (rs371896003, gnomAD 0.03%). This variant has not been reported in the literature in individuals affected with PIGO-related conditions. ClinVar contains an entry for this variant (Variation ID: 1491180). Advanced modeling of protein sequence and biophysical properties (such as structural, functional, and spatial information, amino acid conservation, physicochemical variation, residue mobility, and thermodynamic stability) performed at Invitae indicates that this missense variant is not expected to disrupt PIGO protein function. In summary, the available evidence is currently insufficient to determine the role of this variant in disease. Therefore, it has been classified as a Variant of Uncertain Significance.